The following is an entry in ClinVar:

NM_018834.6(MATR3):c.325A>G (p.Ser109Gly)

Gene: MATR3 (matrin 3; plus strand). Cytogenetic location: 5q31.2.
Variant type: single nucleotide variant.
Coding change: c.325A>G on transcript NM_018834.6 (MANE Select); coding-DNA position 325, A replaced by G.
Protein change: p.Ser109Gly; replaces serine 109 with glycine.
Molecular consequence: missense variant. On other transcripts: intron variant (2).
Genome position (GRCh38, 1-based): chr5:139,307,740, A>G. VCF-style: chr5-139307740-A-G. GRCh37 (hg19) VCF-style: chr5-138643429-A-G.
Other names: c.325A>G, p.Ser109Gly (NM_001194954.2, NM_001194955.2, NM_199189.3); c.-102-6935A>G (NM_001282278.2); c.49-6935A>G (NM_001194956.2); short protein forms S109G.
Identifiers: ClinVar variation 1444165 (VCV001444165.8), dbSNP rs1255035245, ClinGen allele CA361487008.

ClinVar aggregate classification (germline): Uncertain significance (1 of 4 stars; one submission).

Conditions:
Amyotrophic lateral sclerosis type 21. Also called: VOCAL CORD AND PHARYNGEAL DYSFUNCTION WITH DISTAL MYOPATHY; MYOPATHY, DISTAL, 2. Identifiers: Orphanet 600, Orphanet 803, MedGen C3807521, MONDO:0011632, OMIM 606070.

Allele frequency attached by ClinVar (database versions not stated): gnomAD exomes below 0.00001; gnomAD 0.00001.

Submission:

Labcorp Genetics (formerly Invitae), Labcorp
Classification: Uncertain significance for Amyotrophic lateral sclerosis type 21. Last evaluated: 2021-04-29. Review status: criteria provided, single submitter. Criteria: Invitae Variant Classification Sherloc (09022015). Collection method: clinical testing. Allele origin: germline.
Comment: In summary, the available evidence is currently insufficient to determine the role of this variant in disease. Therefore, it has been classified as a Variant of Uncertain Significance. Algorithms developed to predict the effect of missense changes on protein structure and function are either unavailable or do not agree on the potential impact of this missense change (SIFT: "Deleterious"; PolyPhen-2: "Benign"; Align-GVGD: "Class C0"). This variant has not been reported in the literature in individuals with MATR3-related conditions. This variant is not present in population databases (ExAC no frequency). This sequence change replaces serine with glycine at codon 109 of the MATR3 protein (p.Ser109Gly). The serine residue is moderately conserved and there is a small physicochemical difference between serine and glycine.